The following is an entry in ClinVar:

NM_000038.6(APC):c.7670C>T (p.Ser2557Phe)

Gene: APC (APC regulator of Wnt signaling pathway; plus strand). Cytogenetic location: 5q22.2.
Variant type: single nucleotide variant.
Coding change: c.7670C>T on transcript NM_000038.6 (MANE Select); coding-DNA position 7670, C replaced by T.
Protein change: p.Ser2557Phe; replaces serine 2557 with phenylalanine.
Molecular consequence: missense variant.
Genome position (GRCh38, 1-based): chr5:112,843,264, C>T. VCF-style: chr5-112843264-C-T. GRCh37 (hg19) VCF-style: chr5-112178961-C-T.
Other names: c.7670C>T, p.Ser2557Phe (NM_001127510.3, NM_001354895.2); c.7616C>T, p.Ser2539Phe (NM_001127511.3); c.7724C>T, p.Ser2575Phe (NM_001354896.2); c.7700C>T, p.Ser2567Phe (NM_001354897.2); c.7595C>T, p.Ser2532Phe (NM_001354898.2); c.7586C>T, p.Ser2529Phe (NM_001354899.2); c.7547C>T, p.Ser2516Phe (NM_001354900.2); c.7493C>T, p.Ser2498Phe (NM_001354901.2); and 5 more; short protein forms S2431F, S2567F, S2575F, S2529F, S2557F, S2274F, S2397F, S2456F.
Identifiers: ClinVar variation 827187 (VCV000827187.14), dbSNP rs1580685433, ClinGen allele CA16037995.
Genomic context (GRCh38, chr5:112,843,264, plus strand): 5'-CTAGACTTCCAATCAATAGGTCAGGAACCTGGAAACGTGAGCACAGCAAACATTCATCAT[C>T]CCTTCCTCGAGTAAGCACTTGGAGAAGAACTGGAAGTTCATCTTCAATTCTTTCTGCTTC-3'
Protein context (NP_000029.2, residues 2547-2567): WKREHSKHSS[Ser2557Phe]LPRVSTWRRT

ClinVar aggregate classification (germline): Uncertain significance. Review status: criteria provided, multiple submitters, no conflicts (2 of 4 stars). 2 submissions from 2 submitters: Uncertain significance (2). Last evaluated 2023-07-07.

Conditions:
Hereditary cancer-predisposing syndrome. Also called: Neoplastic Syndromes, Hereditary; Tumor predisposition; Hereditary neoplastic syndrome; Hereditary Cancer Syndrome. Identifiers: Orphanet 140162, MedGen C0027672, MeSH D009386, MONDO:0015356.
Familial adenomatous polyposis 1 (FAP1). Also called: POLYPOSIS, ADENOMATOUS INTESTINAL; FAMILIAL ADENOMATOUS POLYPOSIS 1, ATTENUATED. Identifiers: MedGen C2713442, MONDO:0021056, OMIM 175100. Disease mechanism: loss of function.

Submissions (2):

Labcorp Genetics (formerly Invitae), Labcorp
Classification: Uncertain significance for Familial adenomatous polyposis 1. Last evaluated: 2023-07-07. Review status: criteria provided, single submitter. Criteria: Invitae Variant Classification Sherloc (09022015). Collection method: clinical testing. Allele origin: germline.
Comment: This sequence change replaces serine, which is neutral and polar, with phenylalanine, which is neutral and non-polar, at codon 2557 of the APC protein (p.Ser2557Phe). This variant is not present in population databases (gnomAD no frequency). This variant has not been reported in the literature in individuals affected with APC-related conditions. ClinVar contains an entry for this variant (Variation ID: 827187). Advanced modeling of protein sequence and biophysical properties (such as structural, functional, and spatial information, amino acid conservation, physicochemical variation, residue mobility, and thermodynamic stability) performed at Invitae indicates that this missense variant is not expected to disrupt APC protein function. In summary, the available evidence is currently insufficient to determine the role of this variant in disease. Therefore, it has been classified as a Variant of Uncertain Significance.

Ambry Genetics
Classification: Uncertain significance for Hereditary cancer-predisposing syndrome. Last evaluated: 2018-01-05. Review status: criteria provided, single submitter. Criteria: Ambry Variant Classification Scheme 2023. Collection method: clinical testing. Allele origin: germline.
Comment: The p.S2557F variant (also known as c.7670C>T), located in coding exon 15 of the APC gene, results from a C to T substitution at nucleotide position 7670. The serine at codon 2557 is replaced by phenylalanine, an amino acid with highly dissimilar properties. This amino acid position is highly conserved in available vertebrate species. In addition, in silico predictors for this gene do not accurately predict pathogenicity. Since supporting evidence is limited at this time, the clinical significance of this alteration remains unclear.